The following is an entry in ClinVar:

NM_016151.4(TAOK2):c.2506G>A (p.Asp836Asn)

Gene: TAOK2 (TAO kinase 2; plus strand). Cytogenetic location: 16p11.2.
Variant type: single nucleotide variant.
Coding change: c.2506G>A on transcript NM_016151.4 (MANE Select); coding-DNA position 2506, G replaced by A.
Protein change: p.Asp836Asn; replaces aspartic acid 836 with asparagine.
Molecular consequence: missense variant. On other transcripts: intron variant (2).
Genome position (GRCh38, 1-based): chr16:29,986,778, G>A. VCF-style: chr16-29986778-G-A. GRCh37 (hg19) VCF-style: chr16-29998099-G-A.
Other names: c.2232+274G>A (NM_004783.4); c.2233-66G>A (NM_001252043.2); c.2506G>A (NM_016151.2); short protein forms D836N.
Identifiers: ClinVar variation 1510802 (VCV001510802.7), dbSNP rs745515041, ClinGen allele CA7998398.

ClinVar aggregate classification (germline): Uncertain significance. Review status: criteria provided, multiple submitters, no conflicts (2 of 4 stars). 2 submissions from 2 submitters: Uncertain significance (2). Last evaluated 2026-01-12.

Allele frequency attached by ClinVar (database versions not stated): gnomAD exomes 0.00001 and 0.00002; ExAC 0.00003; gnomAD 0.00009 and 0.00010; TOPMed 0.00014.
gnomAD v4.1: 22 of 1,613,696 alleles (0.0014%); highest among the groups gnomAD compares: Middle Eastern, 0.033%; no homozygotes.

Submissions (2):

Labcorp Genetics (formerly Invitae), Labcorp
Classification: Uncertain significance. Last evaluated: 2026-01-12. Review status: criteria provided, single submitter. Criteria: Invitae Variant Classification Sherloc (09022015). Collection method: clinical testing. Allele origin: germline.
Comment: This sequence change replaces aspartic acid, which is acidic and polar, with asparagine, which is neutral and polar, at codon 836 of the TAOK2 protein (p.Asp836Asn). This variant is present in population databases (rs745515041, gnomAD 0.03%). This variant has not been reported in the literature in individuals affected with TAOK2-related conditions. ClinVar contains an entry for this variant (Variation ID: 1510802). An algorithm developed to predict the effect of missense changes on protein structure and function outputs the following: PolyPhen-2: "Benign". The asparagine amino acid residue is found in multiple mammalian species, which suggests that this missense change does not adversely affect protein function. In summary, the available evidence is currently insufficient to determine the role of this variant in disease. Therefore, it has been classified as a Variant of Uncertain Significance.

Ambry Genetics
Classification: Uncertain significance. Last evaluated: 2023-12-09. Review status: criteria provided, single submitter. Criteria: Ambry Variant Classification Scheme 2023. Collection method: clinical testing. Allele origin: germline.